The following is an entry in ClinVar:

NM_001457.4(FLNB):c.3309A>T (p.Lys1103Asn)

Gene: FLNB (filamin B; plus strand). Cytogenetic location: 3p14.3.
Variant type: single nucleotide variant.
Coding change: c.3309A>T on transcript NM_001457.4 (MANE Select); coding-DNA position 3309, A replaced by T.
Protein change: p.Lys1103Asn; replaces lysine 1103 with asparagine.
Molecular consequence: missense variant.
Genome position (GRCh38, 1-based): chr3:58,123,275, A>T. VCF-style: chr3-58123275-A-T. GRCh37 (hg19) VCF-style: chr3-58109002-A-T.
Other names: c.3309A>T, p.Lys1103Asn (NM_001164317.2, NM_001164318.2, NM_001164319.2); short protein forms K1103N.
Identifiers: ClinVar variation 3004413 (VCV003004413.3), dbSNP rs760847876, ClinGen allele CA2468383.

ClinVar aggregate classification (germline): Uncertain significance (1 of 4 stars; one submission).

Allele frequency attached by ClinVar (database versions not stated): ExAC 0.00001; gnomAD exomes below 0.00001; gnomAD 0.00001; TOPMed 0.00002.
gnomAD v4.1: 2 of 1,613,718 alleles (0.00012%); highest among the groups gnomAD compares: Non-Finnish European, 0.00017%; no homozygotes.

Submission:

Labcorp Genetics (formerly Invitae), Labcorp
Classification: Uncertain significance. Last evaluated: 2026-01-20. Review status: criteria provided, single submitter. Criteria: Invitae Variant Classification Sherloc (09022015). Collection method: clinical testing. Allele origin: germline.
Comment: This sequence change replaces lysine, which is basic and polar, with asparagine, which is neutral and polar, at codon 1103 of the FLNB protein (p.Lys1103Asn). This variant is present in population databases (rs760847876, gnomAD 0.0009%). This variant has not been reported in the literature in individuals affected with FLNB-related conditions. ClinVar contains an entry for this variant (Variation ID: 3004413). Invitae Evidence Modeling of protein sequence and biophysical properties (such as structural, functional, and spatial information, amino acid conservation, physicochemical variation, residue mobility, and thermodynamic stability) indicates that this missense variant is not expected to disrupt FLNB protein function with a negative predictive value of 95%. In summary, the available evidence is currently insufficient to determine the role of this variant in disease. Therefore, it has been classified as a Variant of Uncertain Significance.